The following is an entry in ClinVar:

ClinVar aggregate classification (germline): Uncertain significance (1 of 4 stars; one submission).

Conditions:
Spastic paraplegia. Identifiers: MedGen C0037772, HP:0001258.

Allele frequency attached by ClinVar (database versions not stated): gnomAD exomes below 0.00001.
gnomAD v4.1: 2 of 1,614,236 alleles (0.00012%); highest among the groups gnomAD compares: Non-Finnish European, 0.000085%; no homozygotes.

Submission:

Labcorp Genetics (formerly Invitae), Labcorp
Classification: Uncertain significance for Spastic paraplegia. Last evaluated: 2023-01-03. Review status: criteria provided, single submitter. Criteria: Invitae Variant Classification Sherloc (09022015). Collection method: clinical testing. Allele origin: germline.
Comment: In summary, the available evidence is currently insufficient to determine the role of this variant in disease. Therefore, it has been classified as a Variant of Uncertain Significance. Advanced modeling of protein sequence and biophysical properties (such as structural, functional, and spatial information, amino acid conservation, physicochemical variation, residue mobility, and thermodynamic stability) has been performed at Invitae for this missense variant, however the output from this modeling did not meet the statistical confidence thresholds required to predict the impact of this variant on KIF5A protein function. This variant has not been reported in the literature in individuals affected with KIF5A-related conditions. This variant is not present in population databases (gnomAD no frequency). This sequence change replaces glycine, which is neutral and non-polar, with arginine, which is basic and polar, at codon 27 of the KIF5A protein (p.Gly27Arg). ClinVar contains an entry for this variant (Variation ID: 1716181).

NM_004984.4(KIF5A):c.79G>A (p.Gly27Arg)

Gene: KIF5A (kinesin family member 5A; plus strand). Cytogenetic location: 12q13.3.
Variant type: single nucleotide variant.
Coding change: c.79G>A on transcript NM_004984.4 (MANE Select); coding-DNA position 79, G replaced by A.
Protein change: p.Gly27Arg; replaces glycine 27 with arginine.
Molecular consequence: missense variant.
Genome position (GRCh38, 1-based): chr12:57,550,350, G>A. VCF-style: chr12-57550350-G-A. GRCh37 (hg19) VCF-style: chr12-57944133-G-A.
Other names: c.79G>A, p.Gly27Arg (NM_001354705.2); short protein forms G27R.
Identifiers: ClinVar variation 1716181 (VCV001716181.5), dbSNP rs2540481413, ClinGen allele CA385496078.
Genomic context (GRCh38, chr12:57,550,350, plus strand): 5'-GAATGTAGCATCAAGGTGCTCTGCCGATTCCGGCCCCTGAACCAGGCTGAGATTCTGCGG[G>A]GAGACAAGTTCATCCCCATTTTCCAAGGGGACGACAGCGTCGTTATTGGGGTGAGTGTCG-3'
Protein context (NP_004975.2, residues 17-37): RPLNQAEILR[Gly27Arg]DKFIPIFQGD